The following is an entry in ClinVar:

ClinVar aggregate classification (germline): Benign. Review status: criteria provided, multiple submitters, no conflicts (2 of 4 stars). 12 submissions from 12 submitters: Benign (9). 3 of the submissions do not count toward it. Last evaluated 2026-02-04.

Conditions:
Episodic ataxia type 2 (EA2). Also called: ACETAZOLAMIDE-RESPONSIVE HEREDITARY PAROXYSMAL CEREBELLAR ATAXIA; EPISODIC ATAXIA, NYSTAGMUS-ASSOCIATED; ATAXIA, EPISODIC, WITH NYSTAGMUS; ATAXIA, FAMILIAL PAROXYSMAL; CEREBELLAR ATAXIA, PAROXYSMAL, ACETAZOLAMIDE-RESPONSIVE; CEREBELLOPATHY, HEREDITARY PAROXYSMAL. Identifiers: Orphanet 97, MedGen C1720416, MONDO:0007163, OMIM 108500.
Developmental and epileptic encephalopathy, 42 (DEE42A). Also called: Epileptic encephalopathy, early infantile, 42; DEVELOPMENTAL AND EPILEPTIC ENCEPHALOPATHY 42A; EPILEPTIC ENCEPHALOPATHY, EARLY INFANTILE, 42A. Identifiers: MedGen C4310716, MONDO:0014917, OMIM 617106.
Inborn genetic diseases. Identifiers: MedGen C0950123, MeSH D030342.

Allele frequency attached by ClinVar (database versions not stated): ESP Exome Variant Server 0.11411; gnomAD 0.11927 and 0.12739; TOPMed 0.12969; ExAC 0.16074; gnomAD exomes 0.16468; 1000 Genomes Project 30x 0.18067; 1000 Genomes Project 0.18510.

Submissions (12):

Labcorp Genetics (formerly Invitae), Labcorp
Classification: Benign for Developmental and epileptic encephalopathy, 42; Episodic ataxia type 2. Last evaluated: 2026-02-04. Review status: criteria provided, single submitter. Criteria: Invitae Variant Classification Sherloc (09022015). Collection method: clinical testing. Allele origin: germline.

Blueprint Genetics
Classification: Benign. Last evaluated: 2024-11-28. Review status: criteria provided, single submitter. Criteria: ACMG Guidelines, 2015. Collection method: clinical testing. Allele origin: germline.

Unidad de Genómica Garrahan, Hospital de Pediatría Garrahan
Classification: Benign. Last evaluated: 2024-07-15. Review status: criteria provided, single submitter. Criteria: ACMG Guidelines, 2015. Collection method: clinical testing. Allele origin: germline. Affected: no. Observed: 35 variant alleles.
Comment: This variant is classified as Benign based on local population frequency. This variant was detected in 38% of patients studied in a panel designed for Epileptic and Developmental Encephalopathy and Progressive Myoclonus Epilepsy. Number of patients: 35. Only high quality variants are reported.

Mayo Clinic Laboratories, Mayo Clinic
Classification: Benign. Last evaluated: 2022-03-24. Review status: criteria provided, single submitter. Criteria: ACMG Guidelines, 2015. Collection method: clinical testing. Allele origin: germline. Observed: 311 variant alleles.

Athena Diagnostics
Classification: Benign. Last evaluated: 2021-05-03. Review status: criteria provided, single submitter. Criteria: Athena Diagnostics criteria. Collection method: clinical testing. Allele origin: unknown.

Ambry Genetics
Classification: Benign for Inborn genetic diseases. Last evaluated: 2016-02-09. Review status: criteria provided, single submitter. Criteria: Ambry Variant Classification Scheme 2023. Collection method: clinical testing. Allele origin: germline.

GeneDx
Classification: Benign. Last evaluated: 2016-01-08. Review status: criteria provided, single submitter. Criteria: GeneDx Variant Classification (06012015). Collection method: clinical testing. Allele origin: germline. Affected: yes.
Comment: This variant is considered likely benign or benign based on one or more of the following criteria: it is a conservative change, it occurs at a poorly conserved position in the protein, it is predicted to be benign by multiple in silico algorithms, and/or has population frequency not consistent with disease.

Breakthrough Genomics
Classification: Benign. Review status: criteria provided, single submitter. Criteria: ACMG Guidelines, 2015. Collection method: not provided. Allele origin: germline. Inheritance: Autosomal dominant inheritance. Affected: yes.

PreventionGenetics, part of Exact Sciences
Classification: Benign. Review status: criteria provided, single submitter. Criteria: ACMG Guidelines, 2015. Collection method: clinical testing. Allele origin: germline.

Clinical Genetics DNA and cytogenetics Diagnostics Lab, Erasmus MC, Erasmus Medical Center
Classification: Benign. Review status: no assertion criteria provided. Collection method: clinical testing. Allele origin: germline. Affected: yes. Study: VKGL Data-share Consensus. Not counted in ClinVar's aggregate classification.

Genetic Services Laboratory, University of Chicago
Classification: Likely benign for AllHighlyPenetrant. Review status: no assertion criteria provided. Collection method: clinical testing. Allele origin: germline. Inheritance: Autosomal dominant inheritance. Not counted in ClinVar's aggregate classification.
Comment: Likely benign based on allele frequency in 1000 Genomes Project or ESP global frequency and its presence in a patient with a rare or unrelated disease phenotype. NOT Sanger confirmed.

Joint Genome Diagnostic Labs from Nijmegen and Maastricht, Radboudumc and MUMC+
Classification: Benign. Review status: no assertion criteria provided. Collection method: clinical testing. Allele origin: germline. Affected: yes. Study: VKGL Data-share Consensus. Not counted in ClinVar's aggregate classification.

NM_001127222.2(CACNA1A):c.2091G>A (p.Thr697=)

Gene: CACNA1A (calcium voltage-gated channel subunit alpha1 A; minus strand). Cytogenetic location: 19p13.13.
Variant type: single nucleotide variant.
Coding change: c.2091G>A on transcript NM_001127222.2 (MANE Select); coding-DNA position 2091, G replaced by A.
Protein change: p.Thr697=; no amino-acid change (threonine 697 retained).
Molecular consequence: synonymous variant.
Genome position (GRCh38, 1-based): chr19:13,303,780, C>T on the plus strand (G>A on the coding strand, the complement: CACNA1A is on the minus strand). VCF-style: chr19-13303780-C-T. GRCh37 (hg19) VCF-style: chr19-13414594-C-T.
Other names: p.Thr698=; c.2094G>A, p.Thr698= (NM_000068.4, NM_001127221.2, NM_001174080.2 and 1 more transcripts).
Identifiers: ClinVar variation 128546 (VCV000128546.30), dbSNP rs16016, ClinGen allele CA152079.
Genomic context (GRCh38, chr19:13,303,780, plus strand): 5'-TGCCAGAGGTCCAGGCCTGTCCCCTTCTCTCTCTCCATGAAGGATACAGTTCCCAAAGAG[C>T]GTCAGTACAATGAAATAGATGGAGAACACCATGCCGCCCTGCACGCCCCCCTGAGACTTG-3'
Protein context (NP_001120694.1, residues 687-707): MVFSIYFIVL[Thr697=]LFGNYTLLNV